The following is an entry in ClinVar:

NM_006415.4(SPTLC1):c.545G>A (p.Gly182Glu)

Gene: SPTLC1 (serine palmitoyltransferase long chain base subunit 1; minus strand). Cytogenetic location: 9q22.31.
Variant type: single nucleotide variant.
Coding change: c.545G>A on transcript NM_006415.4 (MANE Select); coding-DNA position 545, G replaced by A.
Protein change: p.Gly182Glu; replaces glycine 182 with glutamic acid.
Molecular consequence: missense variant.
Genome position (GRCh38, 1-based): chr9:92,067,981, C>T on the plus strand (G>A on the coding strand, the complement: SPTLC1 is on the minus strand). VCF-style: chr9-92067981-C-T. GRCh37 (hg19) VCF-style: chr9-94830263-C-T.
Other names: c.545G>A, p.Gly182Glu (NM_001281303.2); c.179G>A, p.Gly60Glu (NM_001368272.1); c.80G>A, p.Gly27Glu (NM_001368273.1); short protein forms G27E, G60E, G182E.
Identifiers: ClinVar variation 4743527 (VCV004743527.1).
Genomic context (GRCh38, chr9:92,067,981, plus strand): 5'-ATTTCAAAGGAACTGCTATTAGAAAACTACGTAAAGTTTACTTACACAAAAACAATGTCC[C>T]CTCTTTTAGAGTAAGCAGGAATAGCACTGGCTATGGTGGCAAATCCATATGAGTATATAA-3'
Protein context (NP_006406.1, residues 172-192): ASAIPAYSKR[Gly182Glu]DIVFVDRAAC

ClinVar aggregate classification (germline): Uncertain significance (1 of 4 stars; one submission).

Conditions:
Hereditary sensory and autonomic neuropathy type 1 (HSAN1). Also called: HSAN 1; HSN Type I; Hereditary Sensory Neuropathy Type I. Identifiers: Orphanet 36386, MedGen C0020071, MONDO:0018213.

gnomAD v4.1: 2 of 1,614,050 alleles (0.00012%); highest among the groups gnomAD compares: Non-Finnish European, 0.00017%; no homozygotes.

Submission:

Labcorp Genetics (formerly Invitae), Labcorp
Classification: Uncertain significance for Hereditary sensory and autonomic neuropathy type 1. Last evaluated: 2025-07-02. Review status: criteria provided, single submitter. Criteria: Invitae Variant Classification Sherloc (09022015). Collection method: clinical testing. Allele origin: germline.
Comment: This sequence change replaces glycine, which is neutral and non-polar, with glutamic acid, which is acidic and polar, at codon 182 of the SPTLC1 protein (p.Gly182Glu). This variant is not present in population databases (gnomAD no frequency). This variant has not been reported in the literature in individuals affected with SPTLC1-related conditions. Invitae Evidence Modeling of protein sequence and biophysical properties (such as structural, functional, and spatial information, amino acid conservation, physicochemical variation, residue mobility, and thermodynamic stability) indicates that this missense variant is not expected to disrupt SPTLC1 protein function with a negative predictive value of 80%. In summary, the available evidence is currently insufficient to determine the role of this variant in disease. Therefore, it has been classified as a Variant of Uncertain Significance.